The following is an entry in ClinVar:

NM_015910.7(WDPCP):c.945C>T (p.Asp315=)

Gene: WDPCP (WD repeat containing planar cell polarity effector; minus strand). Cytogenetic location: 2p15.
Variant type: single nucleotide variant.
Coding change: c.945C>T on transcript NM_015910.7 (MANE Select); coding-DNA position 945, C replaced by T.
Protein change: p.Asp315=; no amino-acid change (aspartic acid 315 retained).
Molecular consequence: synonymous variant. On other transcripts: non-coding transcript variant (3).
Genome position (GRCh38, 1-based): chr2:63,404,538, G>A on the plus strand (C>T on the coding strand, the complement: WDPCP is on the minus strand). VCF-style: chr2-63404538-G-A. GRCh37 (hg19) VCF-style: chr2-63631673-G-A.
Other names: c.468C>T, p.Asp156= (NM_001042692.3); c.873C>T, p.Asp291= (NM_001354044.2); c.945C>T, p.Asp315= (NM_001354045.2); c.945C>T (NM_015910.5).
Identifiers: ClinVar variation 2044859 (VCV002044859.5), dbSNP rs2466520944, ClinGen allele CA426420888.

ClinVar aggregate classification (germline): Likely benign. Review status: criteria provided, multiple submitters, no conflicts (2 of 4 stars). 2 submissions from 2 submitters: Likely benign (2). Last evaluated 2025-02-18.

Conditions:
Bardet-Biedl syndrome (BBS). Identifiers: Orphanet 110, MedGen C0752166, MONDO:0015229.
WDPCP-related disorder. Also called: WDPCP-related condition.

gnomAD v4.1: 2 of 1,613,644 alleles (0.00012%); highest among the groups gnomAD compares: Non-Finnish European, 0.00017%; no homozygotes.

Submissions (2):

PreventionGenetics, part of Exact Sciences
Classification: Likely benign for WDPCP-related condition. Last evaluated: 2025-02-18. Review status: criteria provided, single submitter. Criteria: ACMG Guidelines, 2015. Collection method: clinical testing. Allele origin: germline.
Comment: This variant is classified as likely benign based on ACMG/AMP sequence variant interpretation guidelines (Richards et al. 2015 PMID: 25741868, with internal and published modifications).

Labcorp Genetics (formerly Invitae), Labcorp
Classification: Likely benign for Bardet-Biedl syndrome. Last evaluated: 2024-02-24. Review status: criteria provided, single submitter. Criteria: Invitae Variant Classification Sherloc (09022015). Collection method: clinical testing. Allele origin: germline.